The following is an entry in ClinVar:

NM_001083614.2(EARS2):c.299T>C (p.Ile100Thr)

Gene: EARS2 (glutamyl-tRNA synthetase 2, mitochondrial; minus strand). Cytogenetic location: 16p12.2.
Variant type: single nucleotide variant.
Coding change: c.299T>C on transcript NM_001083614.2 (MANE Select); coding-DNA position 299, T replaced by C.
Protein change: p.Ile100Thr; replaces isoleucine 100 with threonine.
Molecular consequence: missense variant. On other transcripts: non-coding transcript variant (1).
Genome position (GRCh38, 1-based): chr16:23,544,700, A>G on the plus strand (T>C on the coding strand, the complement: EARS2 is on the minus strand). VCF-style: chr16-23544700-A-G. GRCh37 (hg19) VCF-style: chr16-23556021-A-G.
Other names: c.299T>C, p.Ile100Thr (NM_001308211.1, NM_133451.1); short protein forms I100T.
Identifiers: ClinVar variation 1806771 (VCV001806771.1), dbSNP rs2506892577, ClinGen allele CA395138734.
Genomic context (GRCh38, chr16:23,544,700, plus strand): 5'-CGCTGAGATTGCTGGTAGGGCCCAGCAGGACCGCCCCGGCGGGGGCTCTCATCAGGCGGG[A>G]TGCCTGGAACACAGGGAATAATGACAGCTAAGGTGCACACAGCGCTCGTTCTCAGGCATT-3'
Protein context (NP_001077083.1, residues 90-110): NIEDMLEWAG[Ile100Thr]PPDESPRRGG

ClinVar aggregate classification (germline): Uncertain significance (1 of 4 stars; one submission).

Submission:

GeneDx
Classification: Uncertain significance. Last evaluated: 2022-06-16. Review status: criteria provided, single submitter. Criteria: GeneDx Variant Classification Process June 2021. Collection method: clinical testing. Allele origin: germline. Affected: yes.
Comment: Not observed at significant frequency in large population cohorts (gnomAD); In silico analysis supports that this missense variant has a deleterious effect on protein structure/function; Has not been previously published as pathogenic or benign to our knowledge